The following is an entry in ClinVar:

ClinVar aggregate classification (germline): Uncertain significance (1 of 4 stars; one submission).

Conditions:
Familial adenomatous polyposis 1 (FAP1). Also called: FAMILIAL ADENOMATOUS POLYPOSIS 1, ATTENUATED; POLYPOSIS, ADENOMATOUS INTESTINAL. Identifiers: MedGen C2713442, MONDO:0021056, OMIM 175100. Disease mechanism: loss of function.

Submission:

Labcorp Genetics (formerly Invitae), Labcorp
Classification: Uncertain significance for Familial adenomatous polyposis 1. Last evaluated: 2023-08-16. Review status: criteria provided, single submitter. Criteria: Invitae Variant Classification Sherloc (09022015). Collection method: clinical testing. Allele origin: germline.
Comment: This variant is not present in population databases (gnomAD no frequency). Experimental studies and prediction algorithms are not available or were not evaluated, and the functional significance of this variant is currently unknown. This variant has not been reported in the literature in individuals affected with APC-related conditions. This variant occurs in a non-coding region of the APC gene. It does not change the encoded amino acid sequence of the APC protein. In summary, the available evidence is currently insufficient to determine the role of this variant in disease. Therefore, it has been classified as a Variant of Uncertain Significance.

NM_001127511.3(APC):c.-31T>C

Gene: APC (APC regulator of Wnt signaling pathway; plus strand). Cytogenetic location: 5q22.2.
Variant type: single nucleotide variant.
Coding change: c.-31T>C on transcript NM_001127511.3; 31 bases upstream of the start codon, T replaced by C.
Molecular consequence: 5 prime UTR variant. On other transcripts: non-coding transcript variant (1), intron variant (5).
Genome position (GRCh38, 1-based): chr5:112,707,687, T>C. VCF-style: chr5-112707687-T-C. GRCh37 (hg19) VCF-style: chr5-112043384-T-C.
Other names: c.-214T>C (NM_001354895.2, NM_001407447.1, NM_001407452.1 and 3 more transcripts); c.-31T>C (NM_001354897.2, NM_001354902.2, NM_001407446.1); c.-1249T>C (NM_001407470.1, NM_001407472.1); c.-19+38T>C (NM_001407448.1, NM_001407450.1, NM_001407457.1 and 1 more transcripts); c.-43+38T>C (NM_001407453.1).
Identifiers: ClinVar variation 1447481 (VCV001447481.7), dbSNP rs78429131, ClinGen allele CA2573138794.